The following is an entry in ClinVar:

ClinVar aggregate classification (germline): Pathogenic (1 of 4 stars; one submission).

Allele frequency attached by ClinVar (database versions not stated): gnomAD exomes below 0.00001.
gnomAD v4.1: 1 of 1,601,434 alleles (0.000062%); highest among the groups gnomAD compares: Admixed American, 0.0017%; no homozygotes.

Submission:

Labcorp Genetics (formerly Invitae), Labcorp
Classification: Pathogenic. Last evaluated: 2023-10-17. Review status: criteria provided, single submitter. Criteria: Invitae Variant Classification Sherloc (09022015). Collection method: clinical testing. Allele origin: germline.
Comment: This sequence change creates a premature translational stop signal (p.Trp120*) in the TNFRSF11A gene. It is expected to result in an absent or disrupted protein product. Loss-of-function variants in TNFRSF11A are known to be pathogenic (PMID: 10677500, 18606301, 22271396). This variant is present in population databases (no rsID available, gnomAD 0.003%). This variant has not been reported in the literature in individuals affected with TNFRSF11A-related conditions. For these reasons, this variant has been classified as Pathogenic.

Literature cited by the submitters: PubMed 10677500; PubMed 18606301; PubMed 22271396.

NM_003839.4(TNFRSF11A):c.360G>A (p.Trp120Ter)

Gene: TNFRSF11A (TNF receptor superfamily member 11a; plus strand). Cytogenetic location: 18q21.33.
Variant type: single nucleotide variant.
Coding change: c.360G>A on transcript NM_003839.4 (MANE Select); coding-DNA position 360, G replaced by A.
Protein change: p.Trp120Ter; replaces tryptophan 120 with a stop codon.
Molecular consequence: nonsense.
Genome position (GRCh38, 1-based): chr18:62,354,467, G>A. VCF-style: chr18-62354467-G-A. GRCh37 (hg19) VCF-style: chr18-60021700-G-A.
Other names: c.360G>A, p.Trp120Ter (NM_001270949.2, NM_001270950.2, NM_001270951.2 and 1 more transcripts); short protein forms W120*.
Identifiers: ClinVar variation 2700222 (VCV002700222.3), dbSNP rs1209029221, ClinGen allele CA402612231.